The following is an entry in ClinVar:

NM_001048174.2(MUTYH):c.755A>C (p.Gln252Pro)

Gene: MUTYH (mutY DNA glycosylase; minus strand). Cytogenetic location: 1p34.1.
Variant type: single nucleotide variant.
Coding change: c.755A>C on transcript NM_001048174.2 (MANE Select); coding-DNA position 755, A replaced by C.
Protein change: p.Gln252Pro; replaces glutamine 252 with proline.
Molecular consequence: missense variant. On other transcripts: non-coding transcript variant (2).
Genome position (GRCh38, 1-based): chr1:45,332,260, T>G on the plus strand (A>C on the coding strand, the complement: MUTYH is on the minus strand). VCF-style: chr1-45332260-T-G. GRCh37 (hg19) VCF-style: chr1-45797932-T-G.
Other names: c.755A>C, p.Gln252Pro (NM_001048171.2, NM_001048173.2, NM_001293195.2); c.758A>C, p.Gln253Pro (NM_001048172.2); c.839A>C, p.Gln280Pro (NM_001128425.2); c.800A>C, p.Gln267Pro (NM_001293190.2); c.788A>C, p.Gln263Pro (NM_001293191.2); c.479A>C, p.Gln160Pro (NM_001293192.2, NM_001293196.2); c.410A>C, p.Gln137Pro (NM_001350650.2, NM_001350651.2); c.830A>C, p.Gln277Pro (NM_012222.3); short protein forms Q267P, Q137P, Q252P, Q263P, Q280P, Q160P, Q253P, Q277P.
Identifiers: ClinVar variation 1367450 (VCV001367450.9), dbSNP rs2149139623, ClinGen allele CA340134626.

ClinVar aggregate classification (germline): Uncertain significance. Review status: criteria provided, multiple submitters, no conflicts (2 of 4 stars). 2 submissions from 2 submitters: Uncertain significance (2). Last evaluated 2023-11-14.

Conditions:
Familial adenomatous polyposis 2. Also called: Adenomas, multiple colorectal; MYH-associated polyposis; COLORECTAL ADENOMATOUS POLYPOSIS, AUTOSOMAL RECESSIVE; ADENOMAS, MULTIPLE COLORECTAL, AUTOSOMAL RECESSIVE; FAP type 2; MUTYH Polyposis. Identifiers: Orphanet 220460, Orphanet 247798, MedGen C3272841, MONDO:0012041, OMIM 608456.

gnomAD v4.1: 1 of 1,614,030 alleles (0.000062%); highest among the groups gnomAD compares: African/African-American, 0.0013%; no homozygotes.

Submissions (2):

Baylor Genetics
Classification: Uncertain significance for Familial adenomatous polyposis 2. Last evaluated: 2023-11-14. Review status: criteria provided, single submitter. Criteria: ACMG Guidelines, 2015. Collection method: clinical testing. Allele origin: unknown.

Labcorp Genetics (formerly Invitae), Labcorp
Classification: Uncertain significance for Familial adenomatous polyposis 2. Last evaluated: 2021-07-14. Review status: criteria provided, single submitter. Criteria: Invitae Variant Classification Sherloc (09022015). Collection method: clinical testing. Allele origin: germline.
Comment: This sequence change replaces glutamine with proline at codon 280 of the MUTYH protein (p.Gln280Pro). The glutamine residue is highly conserved and there is a moderate physicochemical difference between glutamine and proline. This variant is not present in population databases (ExAC no frequency). This variant has not been reported in the literature in individuals affected with MUTYH-related conditions. Algorithms developed to predict the effect of missense changes on protein structure and function (SIFT, PolyPhen-2, Align-GVGD) all suggest that this variant is likely to be disruptive. In summary, the available evidence is currently insufficient to determine the role of this variant in disease. Therefore, it has been classified as a Variant of Uncertain Significance.